The following is an entry in ClinVar:

NM_022124.6(CDH23):c.8464G>A (p.Asp2822Asn)

Gene: CDH23 (cadherin related 23; plus strand). Cytogenetic location: 10q22.1.
Variant type: single nucleotide variant.
Coding change: c.8464G>A on transcript NM_022124.6 (MANE Select); coding-DNA position 8464, G replaced by A.
Protein change: p.Asp2822Asn; replaces aspartic acid 2822 with asparagine.
Molecular consequence: missense variant.
Genome position (GRCh38, 1-based): chr10:71,807,671, G>A. VCF-style: chr10-71807671-G-A. GRCh37 (hg19) VCF-style: chr10-73567428-G-A.
Other names: c.1744G>A, p.Asp582Asn (NM_001171933.1, NM_001171934.1); short protein forms D582N, D2822N.
Identifiers: ClinVar variation 837606 (VCV000837606.7), dbSNP rs1305925095, ClinGen allele CA5546660.

ClinVar aggregate classification (germline): Uncertain significance. Review status: criteria provided, multiple submitters, no conflicts (2 of 4 stars). 5 submissions from 5 submitters: Uncertain significance (4). 1 of the submissions does not count toward it. Last evaluated 2025-12-03.

Conditions:
Inborn genetic diseases. Identifiers: MedGen C0950123, MeSH D030342.
Usher syndrome type 1 (USH1). Also called: RETINITIS PIGMENTOSA AND CONGENITAL DEAFNESS. Identifiers: Orphanet 231169, Orphanet 886, MedGen C1568247, MONDO:0010168, OMIM 276900.

Allele frequency attached by ClinVar (database versions not stated): TOPMed 0.00001; ExAC 0.00002; gnomAD 0.00002; gnomAD exomes 0.00002.
gnomAD v4.1: 19 of 1,613,692 alleles (0.0012%); highest among the groups gnomAD compares: Admixed American, 0.012%; no homozygotes.

Submissions (5):

Women's Health and Genetics/Laboratory Corporation of America, LabCorp
Classification: Uncertain significance. Last evaluated: 2025-12-03. Review status: criteria provided, single submitter. Criteria: LabCorp Variant Classification Summary - May 2015. Collection method: clinical testing. Allele origin: germline.
Comment: Variant summary: CDH23 c.8464G>A (p.Asp2822Asn) results in a conservative amino acid change in the encoded protein sequence. Algorithms developed to predict the effect of missense changes on protein structure and function are either unavailable or do not agree on the potential impact of this missense change. The variant allele was found at a frequency of 1.6e-05 in 248622 control chromosomes (gnomAD). The available data on variant occurrences in the general population are insufficient to allow any conclusion about variant significance. To our knowledge, no occurrence of c.8464G>A in individuals affected with CDH23-related conditions and no experimental evidence demonstrating its impact on protein function have been reported. ClinVar contains an entry for this variant (Variation ID: 837606). Based on the evidence outlined above, the variant was classified as uncertain significance.

Ambry Genetics
Classification: Uncertain significance for Inborn genetic diseases. Last evaluated: 2025-04-10. Review status: criteria provided, single submitter. Criteria: Ambry Variant Classification Scheme 2023. Collection method: clinical testing. Allele origin: germline.

Labcorp Genetics (formerly Invitae), Labcorp
Classification: Uncertain significance. Last evaluated: 2022-09-07. Review status: criteria provided, single submitter. Criteria: Invitae Variant Classification Sherloc (09022015). Collection method: clinical testing. Allele origin: germline.
Comment: This sequence change replaces aspartic acid, which is acidic and polar, with asparagine, which is neutral and polar, at codon 2822 of the CDH23 protein (p.Asp2822Asn). This variant is present in population databases (no rsID available, gnomAD 0.01%). This variant has not been reported in the literature in individuals affected with CDH23-related conditions. ClinVar contains an entry for this variant (Variation ID: 837606). Algorithms developed to predict the effect of missense changes on protein structure and function are either unavailable or do not agree on the potential impact of this missense change (SIFT: "Deleterious"; PolyPhen-2: "Not Available"; Align-GVGD: "Class C0"). In summary, the available evidence is currently insufficient to determine the role of this variant in disease. Therefore, it has been classified as a Variant of Uncertain Significance.

Blueprint Genetics
Classification: Uncertain significance. Last evaluated: 2022-09-06. Review status: criteria provided, single submitter. Criteria: ACMG Guidelines, 2015. Collection method: clinical testing. Allele origin: germline.

Natera, Inc.
Classification: Uncertain significance for Usher syndrome type 1. Last evaluated: 2020-12-27. Review status: no assertion criteria provided. Collection method: clinical testing. Allele origin: germline. Not counted in ClinVar's aggregate classification.